The following is an entry in ClinVar:

NM_001614.5(ACTG1):c.353A>T (p.Lys118Met)

Gene: ACTG1 (actin gamma 1; minus strand). Cytogenetic location: 17q25.3.
Variant type: single nucleotide variant.
Coding change: c.353A>T on transcript NM_001614.5 (MANE Select); coding-DNA position 353, A replaced by T.
Protein change: p.Lys118Met; replaces lysine 118 with methionine.
Molecular consequence: missense variant. On other transcripts: non-coding transcript variant (1).
Genome position (GRCh38, 1-based): chr17:81,511,913, T>A on the plus strand (A>T on the coding strand, the complement: ACTG1 is on the minus strand). VCF-style: chr17-81511913-T-A. GRCh37 (hg19) VCF-style: chr17-79478939-T-A.
Other names: c.353A>T, p.Lys118Met (NM_001199954.3); short protein forms K118M.
Identifiers: ClinVar variation 18316 (VCV000018316.8), dbSNP rs104894544, ClinGen allele CA258156.

ClinVar aggregate classification (germline): Pathogenic/Likely pathogenic. Review status: criteria provided, multiple submitters, no conflicts (2 of 4 stars). 6 submissions from 6 submitters: Pathogenic (3); Likely pathogenic (2). 1 of the submissions does not count toward it. Last evaluated 2025-09-11.

Conditions:
Nonsyndromic genetic hearing loss. Also called: Non-syndromic genetic deafness; Nonsyndromic genetic deafness; Nonsyndromic hearing loss and deafness. Identifiers: Orphanet 87884, MedGen C5680182, MONDO:0019497.
Autosomal dominant nonsyndromic hearing loss 20. Identifiers: Orphanet 90635, MedGen C1858172, MONDO:0011480, OMIM 604717.

Submissions (6):

Variantyx, Inc.
Classification: Pathogenic for Autosomal dominant nonsyndromic hearing loss 20. Last evaluated: 2025-09-11. Review status: criteria provided, single submitter. Criteria: Variantyx Assertion Criteria 2022. Collection method: clinical testing. Allele origin: germline. Inheritance: Autosomal dominant inheritance. Affected: yes.
Comment: This is a nonsynonymous variant in the ACTG1 gene (OMIM: 102560). Pathogenic variants in this gene have been associated with autosomal dominant deafness 20/26. This variant has been reported in numerous unrelated affected individuals (PMID: 13680526, 34997062, 30599039, 27463135, 25792668) (PS4_Moderate) and it has been observed to segregate with disease in at least 10 individuals from 2 families (PMID: 13680526, 30599039) (PP1). Functional studies have shown that this variant alters ACTG1 protein function (PMID: 19419963, 22718764) (PS3) and multiple computational algorithms predict a deleterious effect for this variant (REVEL score: 0.957) (PP3). This variant is absent from control populations (PM2). Based on the current evidence, this variant is classified as pathogenic for autosomal dominant deafness 20/26.

Department of Human Genetics, Hannover Medical School
Classification: Likely pathogenic for Autosomal dominant nonsyndromic hearing loss 20. Last evaluated: 2022-08-15. Review status: criteria provided, single submitter. Criteria: ACMG Guidelines, 2015. Collection method: clinical testing. Allele origin: germline. Inheritance: Autosomal dominant inheritance. Affected: yes.

GeneDx
Classification: Pathogenic. Last evaluated: 2022-06-23. Review status: criteria provided, single submitter. Criteria: GeneDx Variant Classification Process June 2021. Collection method: clinical testing. Allele origin: germline. Affected: yes.
Comment: Published functional studies performed in yeast and cultured mammalian cells suggest that this variant may alter actin function (Bryan et al., 2009; Morin et al., 2009; Kruth et al., 2012; Jepsen et al., 2016; Miyajima et al., 2020); Not observed at significant frequency in large population cohorts (gnomAD); Missense variants in this gene are often considered pathogenic (HGMD); In silico analysis supports that this missense variant has a deleterious effect on protein structure/function; This variant is associated with the following publications: (PMID: 27911912, 26832775, 25792668, 22718764, 13680526, 30599039, 32341388, 27463135, 19477959, 19419963, 34698053, 34997062)

INGEBI, INGEBI / CONICET
Classification: Pathogenic for Nonsyndromic genetic hearing loss. Last evaluated: 2021-08-18. Review status: criteria provided, single submitter. Criteria: ClinGen HL ACMG Specifications v1. Collection method: clinical testing. Allele origin: germline. Inheritance: Autosomal dominant inheritance. Affected: yes. Observed: 1 variant allele, 1 heterozygote.
Comment: Based on ACMG/AMP guidelines and Hearing Loss Expert Panel specific criteria: the c.353A>T, p.(K118M) in ACTG1 gene is absent from population databases (PM2). This variant was identified in a family with autosomal dominant hearing loss and segregated with the eight affected members of it (PMID: 13680526). Besides, the c.353A>T was detected in other family with the same phenotype and it segregated with the six affected relatives (internal data, Laboratory of Physiology and Genetics of Hearing, CONICET Argentina) applying to PP1_Strong and PS4_Supporting rules. In addition to this, a different missense change in the same position which was functional validated (p.K118N; PMID: 19477959) was detected in a family case applying to PM5 criteria. Computational evidence predicted a pathogenic effect of the variant (Revel score: 0,957) meeting PP3 criteria. Considering all the evidence (PM2, PP1_Strong, PS4_Supporting, PM5 and PP3) the c.353A>T is classified as Pathogenic for non-syndromic autosomal dominant hearing loss.

Precision Medicine Center, Zhengzhou University
Classification: Likely pathogenic for Autosomal dominant nonsyndromic hearing loss 20. Last evaluated: 2006-06-30. Review status: criteria provided, single submitter. Criteria: ClinGen HL ACMG Specifications v1. Collection method: clinical testing. Allele origin: paternal. Affected: yes.
Comment: PS4_moderate+PM2+PS3_supporting+PP3: the ACTG1 c.353A>T variant is absent or extremely rare in population databases (PM2). at least 6 probands with the variant (PMID:30599039, 32341388, 13680526, 25792668)(PS4_Moderate). Supporting functional studies demonstrate a deleterious effect on protein function (PMID:30599039)(PS3_Supporting), and multiple computational prediction tools predict a damaging impact (PP3). According to the ACMG/AMP guidelines, this variant is classified as Likely Pathogenic.

OMIM
Classification: Pathogenic for DEAFNESS, AUTOSOMAL DOMINANT 20. Last evaluated: 2003-11-01. Review status: no assertion criteria provided. Collection method: literature only. Allele origin: germline. Not counted in ClinVar's aggregate classification.

Literature cited by the submitters: PubMed 19419963 (cited by Variantyx, Inc.); PubMed 22718764 (cited by Variantyx, Inc.); PubMed 13680526 (cited by 4 submitters); PubMed 30599039 (cited by Variantyx, Inc. and Precision Medicine Center, Zhengzhou University); PubMed 34997062 (cited by Variantyx, Inc.); PubMed 27463135 (cited by Variantyx, Inc.); PubMed 25792668 (cited by Variantyx, Inc.); PubMed 19477959 (cited by INGEBI, INGEBI / CONICET); PubMed 32341388 (cited by Precision Medicine Center, Zhengzhou University); PubMed 2579266 (cited by Precision Medicine Center, Zhengzhou University); Yang, T., Smith, R. A novel locus DFNA26 maps to chromosome 17q25 in two unrelated families with progressive autosomal dominant hearing loss. (Abstract) Am. J. Hum. Genet. 67 (suppl. 2): 300-only, 2000. (cited by OMIM).